The following is an entry in ClinVar:

ClinVar aggregate classification (germline): Benign. Review status: criteria provided, multiple submitters, no conflicts (2 of 4 stars). 3 submissions from 3 submitters: Benign (3). Last evaluated 2024-07-15.

Allele frequency attached by ClinVar (database versions not stated): gnomAD exomes 0.56214; gnomAD 0.58773 and 0.59309; TOPMed 0.60734; 1000 Genomes Project 0.69509; 1000 Genomes Project 30x 0.69566.
gnomAD v4.1: 878,254 of 1,552,480 alleles (57%); highest among the groups gnomAD compares: East Asian, 91%; 252,344 homozygotes.

Submissions (3):

Unidad de Genómica Garrahan, Hospital de Pediatría Garrahan
Classification: Benign. Last evaluated: 2024-07-15. Review status: criteria provided, single submitter. Criteria: ACMG Guidelines, 2015. Collection method: clinical testing. Allele origin: germline. Affected: no. Observed: 84 variant alleles.
Comment: This variant is classified as Benign based on local population frequency. This variant was detected in 90% of patients studied in a panel designed for Epileptic and Developmental Encephalopathy and Progressive Myoclonus Epilepsy. Number of patients: 84. Only high quality variants are reported.

GeneDx
Classification: Benign. Last evaluated: 2018-06-14. Review status: criteria provided, single submitter. Criteria: GeneDx Variant Classification (06012015). Collection method: clinical testing. Allele origin: germline. Affected: yes.
Comment: This variant is considered likely benign or benign based on one or more of the following criteria: it is a conservative change, it occurs at a poorly conserved position in the protein, it is predicted to be benign by multiple in silico algorithms, and/or has population frequency not consistent with disease.

Breakthrough Genomics
Classification: Benign. Review status: criteria provided, single submitter. Criteria: ACMG Guidelines, 2015. Collection method: not provided. Allele origin: germline. Inheritance: Autosomal dominant inheritance. Affected: yes.

NM_022489.4(INF2):c.2489+53T>C

Gene: INF2 (inverted formin 2; plus strand). Cytogenetic location: 14q32.33.
Variant type: single nucleotide variant.
Coding change: c.2489+53T>C on transcript NM_022489.4 (MANE Select); 53 bases into the intron after coding-DNA position 2489, T replaced by C.
Molecular consequence: intron variant.
Genome position (GRCh38, 1-based): chr14:104,711,752, T>C. VCF-style: chr14-104711752-T-C. GRCh37 (hg19) VCF-style: chr14-105178089-T-C.
Other names: c.2489+53T>C (NM_001031714.4).
Identifiers: ClinVar variation 681920 (VCV000681920.4), dbSNP rs4983531, ClinGen allele CA13972632.